The following is an entry in ClinVar:

ClinVar aggregate classification (germline): Uncertain significance (1 of 4 stars; one submission).

Submissions (2):

Women's Health and Genetics/Laboratory Corporation of America, LabCorp
Classification: Uncertain significance. Last evaluated: 2025-10-30. Review status: criteria provided, single submitter. Criteria: LabCorp Variant Classification Summary - May 2015. Collection method: clinical testing. Allele origin: germline.
Comment: Variant summary: CHD4 c.1482G>A (p.Thr494Thr) alters a conserved nucleotide located close to a canonical splice site and therefore could affect mRNA splicing, leading to a significantly altered protein sequence. Several computational tools predict a significant impact on normal splicing: Three predict the variant weakens a 5' donor site. Two predict the variant creates a cryptic 3' acceptor site. However, these predictions have yet to be confirmed by functional studies. The variant allele was found at a frequency of 4e-06 in 251312 control chromosomes (gnomAD). The available data on variant occurrences in the general population are insufficient to allow any conclusion about variant significance. To our knowledge, no occurrence of c.1482G>A in individuals affected with CHD4-related conditions and no experimental evidence demonstrating its impact on protein function have been reported. No submitters have cited clinical-significance assessments for this variant to ClinVar. Based on the evidence outlined above, the variant was classified as uncertain significance.

Dr. Peter K. Rogan Lab, Western University
No classification provided (evidence only). Condition: Familial cancer of breast. Review status: no classification provided. Collection method: in vitro. Allele origin: not applicable. Functional consequence: retained intron. Not counted in ClinVar's aggregate classification.

NM_001273.5(CHD4):c.1482G>A (p.Thr494=)

Gene: CHD4 (chromodomain helicase DNA binding protein 4; minus strand). Cytogenetic location: 12p13.31.
Variant type: single nucleotide variant.
Coding change: c.1482G>A on transcript NM_001273.5 (MANE Select); coding-DNA position 1482, G replaced by A.
Protein change: p.Thr494=; no amino-acid change (threonine 494 retained).
Molecular consequence: synonymous variant.
Genome position (GRCh38, 1-based): chr12:6,599,773, C>T on the plus strand (G>A on the coding strand, the complement: CHD4 is on the minus strand). VCF-style: chr12-6599773-C-T. GRCh37 (hg19) VCF-style: chr12-6708939-C-T.
Other names: NC_000012.11:g.6708939C>T; c.1461G>A, p.Thr487= (NM_001297553.2); c.1443G>A, p.Thr481= (NM_001363606.2).
Identifiers: ClinVar variation 4388234 (VCV004388234.2).